The following is an entry in ClinVar:

NM_021615.5(CHST6):c.827T>C (p.Leu276Pro)

Gene: CHST6 (carbohydrate sulfotransferase 6; minus strand). Cytogenetic location: 16q23.1.
Variant type: single nucleotide variant.
Coding change: c.827T>C on transcript NM_021615.5 (MANE Select); coding-DNA position 827, T replaced by C.
Protein change: p.Leu276Pro; replaces leucine 276 with proline.
Molecular consequence: missense variant.
Genome position (GRCh38, 1-based): chr16:75,479,002, A>G on the plus strand (T>C on the coding strand, the complement: CHST6 is on the minus strand). VCF-style: chr16-75479002-A-G. GRCh37 (hg19) VCF-style: chr16-75512900-A-G.
Other names: c.827T>C (NM_021615.4); short protein forms L276P.
Identifiers: ClinVar variation 5078 (VCV000005078.6), dbSNP rs121917824, ClinGen allele CA250522.

ClinVar aggregate classification (germline): Conflicting classifications of pathogenicity. Review status: criteria provided, conflicting classifications (1 of 4 stars). 5 submissions from 5 submitters: Pathogenic (1); Likely pathogenic (2); Uncertain significance (1). 1 of the submissions does not count toward it. Last evaluated 2026-08-16.

Conditions:
CHST6-related disorder. Also called: CHST6-related condition.
Macular corneal dystrophy (MCD). Also called: Macular corneal dystrophy Type I; GROENOUW TYPE II CORNEAL DYSTROPHY. Identifiers: Orphanet 98969, MedGen C1636149, MONDO:0009020, OMIM 217800.

Allele frequency attached by ClinVar (database versions not stated): gnomAD 0.00001; TOPMed 0.00002; ExAC 0.00005; gnomAD exomes 0.00006.
gnomAD v4.1: 93 of 1,611,874 alleles (0.0058%); highest among the groups gnomAD compares: Non-Finnish European, 0.0075%; no homozygotes.

Submissions (5):

PreventionGenetics, part of Exact Sciences
Classification: Likely pathogenic for CHST6-related condition. Last evaluated: 2026-08-16. Review status: criteria provided, single submitter. Criteria: ACMG Guidelines, 2015. Collection method: clinical testing. Allele origin: germline.
Comment: The CHST6 c.827T>C variant is predicted to result in the amino acid substitution p.Leu276Pro. This variant, also described as c.1519T>C in legacy literature, has been reported in individuals with macular corneal dystrophy alone in the heterozygous state (Aldave et al. 2004. PubMed ID: 15013869; El-Ashry et al. 2005. PubMed ID: 15652851; Klintworth et al. 2006. PubMed ID: 16568029), with a second CHST6 variant (Aldave et al. 2004. PubMed ID: 15013869; Sultana et al. 2005. PubMed ID: 16207214;Huang et al. 2021. PMID: 33987320), or in the homozygous state (PreventionGenetics, Internal data). This variant is reported in 0.011% of alleles in individuals of European (non-Finnish) descent in gnomAD and has conflicting classifications in ClinVar ranging from uncertain to pathogenic (Variation ID: 5078). This variant is interpreted as likely pathogenic.

Labcorp Genetics (formerly Invitae), Labcorp
Classification: Pathogenic for Macular corneal dystrophy. Last evaluated: 2026-01-21. Review status: criteria provided, single submitter. Criteria: Invitae Variant Classification Sherloc (09022015). Collection method: clinical testing. Allele origin: germline.
Comment: This sequence change replaces leucine, which is neutral and non-polar, with proline, which is neutral and non-polar, at codon 276 of the CHST6 protein (p.Leu276Pro). This variant is present in population databases (rs121917824, gnomAD 0.01%). This missense change has been observed in individual(s) with macular corneal dystrophy (PMID: 15013869, 16207214, 16568029). In at least one individual the data is consistent with being in trans (on the opposite chromosome) from a pathogenic variant. This variant is also known as c.1519T>C. ClinVar contains an entry for this variant (Variation ID: 5078). Invitae Evidence Modeling of protein sequence and biophysical properties (such as structural, functional, and spatial information, amino acid conservation, physicochemical variation, residue mobility, and thermodynamic stability) indicates that this missense variant is expected to disrupt CHST6 protein function with a positive predictive value of 80%. For these reasons, this variant has been classified as Pathogenic.

Fulgent Genetics
Classification: Likely pathogenic for Macular corneal dystrophy. Last evaluated: 2024-03-28. Review status: criteria provided, single submitter. Criteria: ACMG Guidelines, 2015. Collection method: clinical testing. Allele origin: germline.

Department of Pathology and Laboratory Medicine, Sinai Health System
Classification: Uncertain significance for Macular corneal dystrophy. Last evaluated: 2023-05-15. Review status: criteria provided, single submitter. Criteria: ACMG Guidelines, 2015. Collection method: research. Allele origin: germline.

OMIM
Classification: Pathogenic for MACULAR CORNEAL DYSTROPHY, TYPE I. Last evaluated: 2004-03-01. Review status: no assertion criteria provided. Collection method: literature only. Allele origin: germline. Not counted in ClinVar's aggregate classification.

Literature cited by the submitters: PubMed 15013869 (cited by Labcorp Genetics (formerly Invitae), Labcorp and OMIM); PubMed 16207214 (cited by Labcorp Genetics (formerly Invitae), Labcorp); PubMed 16568029 (cited by Labcorp Genetics (formerly Invitae), Labcorp).